The following is an entry in ClinVar:

ClinVar aggregate classification (germline): Uncertain significance. Review status: criteria provided, single submitter (1 of 4 stars). 2 submissions from 2 submitters: Uncertain significance (1). 1 of the submissions does not count toward it. Last evaluated 2025-10-18.

Conditions:
SEC23A-related disorder. Also called: SEC23A-related condition.

Allele frequency attached by ClinVar (database versions not stated): gnomAD 0.00006; TOPMed 0.00008; ExAC 0.00009; ESP Exome Variant Server 0.00015; gnomAD exomes 0.00010.
gnomAD v4.1: 171 of 1,613,228 alleles (0.011%); highest among the groups gnomAD compares: Non-Finnish European, 0.012%; no homozygotes.

Submissions (2):

Ambry Genetics
Classification: Uncertain significance. Last evaluated: 2025-10-18. Review status: criteria provided, single submitter. Criteria: Ambry Variant Classification Scheme 2023. Collection method: clinical testing. Allele origin: germline.

PreventionGenetics, part of Exact Sciences
Classification: Likely benign for SEC23A-related condition. Last evaluated: 2019-06-04. Review status: no assertion criteria provided. Collection method: clinical testing. Allele origin: germline. Not counted in ClinVar's aggregate classification.
Comment: This variant is classified as likely benign based on ACMG/AMP sequence variant interpretation guidelines (Richards et al. 2015 PMID: 25741868, with internal and published modifications).

NM_006364.4(SEC23A):c.199C>T (p.Arg67Cys)

Gene: SEC23A (SEC23 homolog A, COPII component; minus strand). Cytogenetic location: 14q21.1.
Variant type: single nucleotide variant.
Coding change: c.199C>T on transcript NM_006364.4 (MANE Select); coding-DNA position 199, C replaced by T.
Protein change: p.Arg67Cys; replaces arginine 67 with cysteine.
Molecular consequence: missense variant.
Genome position (GRCh38, 1-based): chr14:39,095,920, G>A on the plus strand (C>T on the coding strand, the complement: SEC23A is on the minus strand). VCF-style: chr14-39095920-G-A. GRCh37 (hg19) VCF-style: chr14-39565124-G-A.
Other names: c.199C>T (NM_006364.2); short protein forms R67C.
Identifiers: ClinVar variation 3044561 (VCV003044561.3), dbSNP rs34039376, ClinGen allele CA7162238.